The following is an entry in ClinVar:

ClinVar aggregate classification (germline): Uncertain significance. Review status: criteria provided, multiple submitters, no conflicts (2 of 4 stars). 2 submissions from 2 submitters: Uncertain significance (2). Last evaluated 2025-03-20.

Conditions:
Long QT syndrome (LQTS). Identifiers: MedGen C0023976, MeSH D008133, MONDO:0002442. Disease mechanism: loss of function. Inheritance: Various modes of inheritance.

Submissions (2):

Labcorp Genetics (formerly Invitae), Labcorp
Classification: Uncertain significance for Long QT syndrome. Last evaluated: 2025-03-20. Review status: criteria provided, single submitter. Criteria: Invitae Variant Classification Sherloc (09022015). Collection method: clinical testing. Allele origin: germline.
Comment: This sequence change replaces glutamic acid, which is acidic and polar, with glycine, which is neutral and non-polar, at codon 1678 of the CACNA1C protein (p.Glu1678Gly). This variant is not present in population databases (gnomAD no frequency). This variant has not been reported in the literature in individuals affected with CACNA1C-related conditions. ClinVar contains an entry for this variant (Variation ID: 190708). Invitae Evidence Modeling of protein sequence and biophysical properties (such as structural, functional, and spatial information, amino acid conservation, physicochemical variation, residue mobility, and thermodynamic stability) has been performed for this missense variant. However, the output from this modeling did not meet the statistical confidence thresholds required to predict the impact of this variant on CACNA1C protein function. In summary, the available evidence is currently insufficient to determine the role of this variant in disease. Therefore, it has been classified as a Variant of Uncertain Significance.

GeneDx
Classification: Uncertain significance. Last evaluated: 2014-10-28. Review status: criteria provided, single submitter. Criteria: GeneDx Variant Classification (06012015). Collection method: clinical testing. Allele origin: germline. Affected: yes.
Comment: p.Glu1678Gly (GAG>GGG): c.5033 A>G in exon 41 of the CACNA1C gene (NM_000719.6). The E1678G variant has not been published as a mutation, nor has it been reported as a benign polymorphism to our knowledge. The E1678G variant was not observed in approximately 6,400 individuals of European and African American ancestry in the NHLBI Exome Sequencing Project, indicating it is not a common benign variant in these populations. The E1678G variant is a non-conservative amino acid substitution, which is likely to impact secondary protein structure as these residues differ in polarity, charge, size and/or other properties. This substitution occurs at a position that is conserved in vertebrates. However, in silico analysis is inconsistent in its predictions as to whether or not the variant is damaging to the protein structure/function. Furthermore, no missense mutations in nearby residues have been reported, indicating that this region of the protein may be tolerant of change. Therefore, based on the currently available information, it is unclear whether this variant is a pathogenic mutation or a rare benign variant. The variant is found in BRUGADA panel(s).

NM_000719.7(CACNA1C):c.5033A>G (p.Glu1678Gly)

Genes: CACNA1C (calcium voltage-gated channel subunit alpha1 C; plus strand), CACNA1C-AS1 (CACNA1C antisense RNA 1; minus strand). Cytogenetic location: 12p13.33.
Variant type: single nucleotide variant.
Coding change: c.5033A>G on transcript NM_000719.7 (MANE Select); coding-DNA position 5033, A replaced by G.
Protein change: p.Glu1678Gly; replaces glutamic acid 1678 with glycine.
Molecular consequence: missense variant. On other transcripts: non-coding transcript variant (1).
Genome position (GRCh38, 1-based): chr12:2,677,809, A>G. VCF-style: chr12-2677809-A-G. GRCh37 (hg19) VCF-style: chr12-2786975-A-G.
Other names: p.E1678G:GAG>GGG; c.5177A>G, p.Glu1726Gly (NM_001129827.2, NM_199460.4); c.5156A>G, p.Glu1719Gly (NM_001129829.2); c.5033A>G, p.Glu1678Gly (NM_001129830.3, NM_001129840.2, NM_001129841.2 and 4 more transcripts); c.5117A>G, p.Glu1706Gly (NM_001129831.2); c.5093A>G, p.Glu1698Gly (NM_001129832.2); c.5090A>G, p.Glu1697Gly (NM_001129833.2, NM_001129834.2, NM_001129835.2); c.5084A>G, p.Glu1695Gly (NM_001129836.2); and 4 more; short protein forms E1678G, E1726G, E1667G, E1675G, E1695G, E1698G, E1706G, E1719G.
Identifiers: ClinVar variation 190708 (VCV000190708.10), dbSNP rs786205781, ClinGen allele CA301791.
Genomic context (GRCh38, chr12:2,677,809, plus strand): 5'-TGCATGACATCGGGCCTGAGATCCGACGGGCCATCTCTGGAGATCTCACCGCTGAGGAGG[A>G]GCTGGACAAGGCCATGAAGGAGGCTGTGTCCGCTGCTTCTGAAGATGACATCTTCAGGGT-3'
Protein context (NP_000710.5, residues 1668-1688): AISGDLTAEE[Glu1678Gly]LDKAMKEAVS